The following is an entry in ClinVar:

ClinVar aggregate classification (germline): Likely benign. Review status: criteria provided, multiple submitters, no conflicts (2 of 4 stars). 4 submissions from 4 submitters: Likely benign (3). 1 of the submissions does not count toward it. Last evaluated 2025-12-23.

Conditions:
CPAMD8-related disorder. Also called: CPAMD8-related condition.

Allele frequency attached by ClinVar (database versions not stated): 1000 Genomes Project 0.00060; 1000 Genomes Project 30x 0.00062; ExAC 0.00098; gnomAD exomes 0.00106; gnomAD 0.00111 and 0.00118; TOPMed 0.00119; ESP Exome Variant Server 0.00179.
gnomAD v4.1: 3,022 of 1,614,162 alleles (0.19%); highest among the groups gnomAD compares: Non-Finnish European, 0.24%; 4 homozygotes.

Submissions (4):

Labcorp Genetics (formerly Invitae), Labcorp
Classification: Likely benign. Last evaluated: 2025-12-23. Review status: criteria provided, single submitter. Criteria: Invitae Variant Classification Sherloc (09022015). Collection method: clinical testing. Allele origin: germline.

Blueprint Genetics
Classification: Likely benign. Last evaluated: 2024-10-25. Review status: criteria provided, single submitter. Criteria: ACMG Guidelines, 2015. Collection method: clinical testing. Allele origin: germline.

CeGaT Center for Human Genetics Tuebingen
Classification: Likely benign. Last evaluated: 2022-05-01. Review status: criteria provided, single submitter. Criteria: CeGaT Center For Human Genetics Tuebingen Variant Classification Criteria Version 2. Collection method: clinical testing. Allele origin: germline. Affected: yes. Observed: 1 variant allele.
Comment: CPAMD8: BP4, BP7

PreventionGenetics, part of Exact Sciences
Classification: Likely benign for CPAMD8-related condition. Last evaluated: 2019-05-01. Review status: no assertion criteria provided. Collection method: clinical testing. Allele origin: germline. Not counted in ClinVar's aggregate classification.
Comment: This variant is classified as likely benign based on ACMG/AMP sequence variant interpretation guidelines (Richards et al. 2015 PMID: 25741868, with internal and published modifications).

NM_015692.5(CPAMD8):c.1116T>C (p.Asp372=)

Gene: CPAMD8 (C3 and PZP like alpha-2-macroglobulin domain containing 8; minus strand). Cytogenetic location: 19p13.11.
Variant type: single nucleotide variant.
Coding change: c.1116T>C on transcript NM_015692.5 (MANE Select); coding-DNA position 1116, T replaced by C.
Protein change: p.Asp372=; no amino-acid change (aspartic acid 372 retained).
Molecular consequence: synonymous variant.
Genome position (GRCh38, 1-based): chr19:16,993,566, A>G on the plus strand (T>C on the coding strand, the complement: CPAMD8 is on the minus strand). VCF-style: chr19-16993566-A-G. GRCh37 (hg19) VCF-style: chr19-17104376-A-G.
Identifiers: ClinVar variation 790434 (VCV000790434.34), dbSNP rs140705592, ClinGen allele CA9285810.